The following is an entry in ClinVar:

NM_001042492.3(NF1):c.6374T>C (p.Leu2125Pro)

Gene: NF1 (neurofibromin 1; plus strand). Cytogenetic location: 17q11.2.
Variant type: single nucleotide variant.
Coding change: c.6374T>C on transcript NM_001042492.3 (MANE Select); coding-DNA position 6374, T replaced by C.
Protein change: p.Leu2125Pro; replaces leucine 2125 with proline.
Molecular consequence: missense variant.
Genome position (GRCh38, 1-based): chr17:31,336,861, T>C. VCF-style: chr17-31336861-T-C. GRCh37 (hg19) VCF-style: chr17-29663879-T-C.
Other names: c.6311T>C, p.Leu2104Pro (NM_000267.4); short protein forms L2104P, L2125P.
Identifiers: ClinVar variation 660822 (VCV000660822.10), dbSNP rs1597843129, ClinGen allele CA399012851.

ClinVar aggregate classification (germline): Conflicting classifications of pathogenicity. Review status: criteria provided, conflicting classifications (1 of 4 stars). 4 submissions from 4 submitters: Pathogenic (1); Likely pathogenic (1); Uncertain significance (2). Last evaluated 2025-11-15.

Conditions:
Café-au-lait macules with pulmonary stenosis (WTSN). Also called: PULMONIC STENOSIS WITH CAFE-AU-LAIT SPOTS. Identifiers: MedGen C0553586, MONDO:0008672, OMIM 193520.
Neurofibromatosis, type 1 (NF1). Also called: VON RECKLINGHAUSEN DISEASE; NEUROFIBROMATOSIS, TYPE I, SOMATIC; Peripheral type neurofibromatosis; Neurofibromatosis, type I. Identifiers: Orphanet 636, MedGen C0027831, MONDO:0018975, OMIM 162200. Disease mechanism: loss of function.

Submissions (4):

Labcorp Genetics (formerly Invitae), Labcorp
Classification: Pathogenic for Neurofibromatosis, type 1. Last evaluated: 2025-11-15. Review status: criteria provided, single submitter. Criteria: Invitae Variant Classification Sherloc (09022015). Collection method: clinical testing. Allele origin: germline.
Comment: This sequence change replaces leucine, which is neutral and non-polar, with proline, which is neutral and non-polar, at codon 2104 of the NF1 protein (p.Leu2104Pro). This variant is not present in population databases (gnomAD no frequency). This missense change has been observed in individual(s) with neurofibromatosis type 1 (PMID: 24413922, 36612057). ClinVar contains an entry for this variant (Variation ID: 660822). Invitae Evidence Modeling of protein sequence and biophysical properties (such as structural, functional, and spatial information, amino acid conservation, physicochemical variation, residue mobility, and thermodynamic stability) indicates that this missense variant is expected to disrupt NF1 protein function with a positive predictive value of 95%. For these reasons, this variant has been classified as Pathogenic.

Dubai Health Genomic Medicine Center, Dubai Health
Classification: Likely pathogenic for Watson syndrome. Last evaluated: 2024-10-04. Review status: criteria provided, single submitter. Criteria: ACMG Guidelines, 2015. Collection method: research. Allele origin: germline. Affected: yes.
Comment: PM2,PP3,PP1,PM5

Genome-Nilou Lab
Classification: Uncertain significance for Neurofibromatosis, type 1. Last evaluated: 2022-03-15. Review status: criteria provided, single submitter. Criteria: ACMG Guidelines, 2015. Collection method: clinical testing. Allele origin: germline. Affected: no.

GeneDx
Classification: Uncertain significance. Last evaluated: 2019-06-03. Review status: criteria provided, single submitter. Criteria: GeneDx Variant Classification Process June 2021. Collection method: clinical testing. Allele origin: germline. Affected: yes.

Literature cited by the submitters: PubMed 24413922 (cited by Labcorp Genetics (formerly Invitae), Labcorp); PubMed 36612057 (cited by Labcorp Genetics (formerly Invitae), Labcorp).